The following is an entry in ClinVar:

ClinVar aggregate classification (germline): Likely benign. Review status: criteria provided, multiple submitters, no conflicts (2 of 4 stars). 4 submissions from 4 submitters: Likely benign (3). 1 of the submissions does not count toward it. Last evaluated 2026-01-09.

Conditions:
DOCK6-related disorder. Also called: DOCK6-related condition.

Allele frequency attached by ClinVar (database versions not stated): ESP Exome Variant Server 0.00008; 1000 Genomes Project 30x 0.00016; TOPMed 0.00017; 1000 Genomes Project 0.00020; gnomAD 0.00027 and 0.00028.
gnomAD v4.1: 375 of 1,613,810 alleles (0.023%); highest among the groups gnomAD compares: Admixed American, 0.045%; no homozygotes.

Submissions (4):

Labcorp Genetics (formerly Invitae), Labcorp
Classification: Likely benign. Last evaluated: 2026-01-09. Review status: criteria provided, single submitter. Criteria: Invitae Variant Classification Sherloc (09022015). Collection method: clinical testing. Allele origin: germline.

Blueprint Genetics
Classification: Likely benign. Last evaluated: 2024-06-24. Review status: criteria provided, single submitter. Criteria: ACMG Guidelines, 2015. Collection method: clinical testing. Allele origin: germline.

CeGaT Center for Human Genetics Tuebingen
Classification: Likely benign. Last evaluated: 2023-10-01. Review status: criteria provided, single submitter. Criteria: CeGaT Center For Human Genetics Tuebingen Variant Classification Criteria Version 2. Collection method: clinical testing. Allele origin: germline. Affected: yes. Observed: 3 variant alleles.
Comment: DOCK6: BP4, BP7

PreventionGenetics, part of Exact Sciences
Classification: Likely benign for DOCK6-related condition. Last evaluated: 2019-02-28. Review status: no assertion criteria provided. Collection method: clinical testing. Allele origin: germline. Not counted in ClinVar's aggregate classification.
Comment: This variant is classified as likely benign based on ACMG/AMP sequence variant interpretation guidelines (Richards et al. 2015 PMID: 25741868, with internal and published modifications).

NM_020812.4(DOCK6):c.2790C>T (p.His930=)

Gene: DOCK6 (dedicator of cytokinesis 6; minus strand). Cytogenetic location: 19p13.2.
Variant type: single nucleotide variant.
Coding change: c.2790C>T on transcript NM_020812.4 (MANE Select); coding-DNA position 2790, C replaced by T.
Protein change: p.His930=; no amino-acid change (histidine 930 retained).
Molecular consequence: synonymous variant.
Genome position (GRCh38, 1-based): chr19:11,228,964, G>A on the plus strand (C>T on the coding strand, the complement: DOCK6 is on the minus strand). VCF-style: chr19-11228964-G-A. GRCh37 (hg19) VCF-style: chr19-11339640-G-A.
Other names: c.2895C>T, p.His965= (NM_001367830.1).
Identifiers: ClinVar variation 724419 (VCV000724419.34), dbSNP rs199846066, ClinGen allele CA9207486.